The following is an entry in ClinVar:

ClinVar aggregate classification (germline): Pathogenic/Likely pathogenic. Review status: criteria provided, multiple submitters, no conflicts (2 of 4 stars). 4 submissions from 4 submitters: Pathogenic (3); Likely pathogenic (1). Last evaluated 2023-11-13.

Conditions:
Leukodystrophy, hypomyelinating, 10. Also called: PYCR2-related microcephaly-progressive leukoencephalopathy. Identifiers: Orphanet 481152, MedGen C4225332, MONDO:0014632, OMIM 616420.

Submissions (4):

Women's Health and Genetics/Laboratory Corporation of America, LabCorp
Classification: Pathogenic for Leukodystrophy, hypomyelinating, 10. Last evaluated: 2023-11-13. Review status: criteria provided, single submitter. Criteria: LabCorp Variant Classification Summary - May 2015. Collection method: clinical testing. Allele origin: germline.
Comment: Variant summary: PYCR2 c.757_758dupCT (p.Leu254CysfsX35) results in a premature termination codon, predicted to cause a truncation of the encoded protein. Although nonsense mediated decay is not expected, this variant affects a region where other pathogenic variant(s) have been observed in ClinVar. The variant was absent in 251136 control chromosomes. To our knowledge, no occurrence of c.757_758dupCT in individuals affected with Hypomyelinating Leukodystrophy 10 and no experimental evidence demonstrating its impact on protein function have been reported. Three submitters have cited clinical-significance assessments for this variant to ClinVar after 2014. All submitters classified the variant as pathogenic/likely pathogenic. Based on the evidence outlined above, the variant was classified as pathogenic.

GeneDx
Classification: Likely pathogenic. Last evaluated: 2023-07-26. Review status: criteria provided, single submitter. Criteria: GeneDx Variant Classification Process June 2021. Collection method: clinical testing. Allele origin: germline. Affected: yes.
Comment: Frameshift variant predicted to result in protein truncation, as the last 67 amino acids are replaced with 34 different amino acids, and other loss-of-function variants have been reported downstream in HGMD; Not observed at significant frequency in large population cohorts (gnomAD); Has not been previously published as pathogenic or benign to our knowledge

Labcorp Genetics (formerly Invitae), Labcorp
Classification: Pathogenic. Last evaluated: 2022-03-13. Review status: criteria provided, single submitter. Criteria: Invitae Variant Classification Sherloc (09022015). Collection method: clinical testing. Allele origin: germline.
Comment: This sequence change creates a premature translational stop signal (p.Leu254Cysfs*35) in the PYCR2 gene. While this is not anticipated to result in nonsense mediated decay, it is expected to disrupt the last 67 amino acid(s) of the PYCR2 protein. This variant is not present in population databases (gnomAD no frequency). This variant has not been reported in the literature in individuals affected with PYCR2-related conditions. ClinVar contains an entry for this variant (Variation ID: 286401). This variant disrupts a region of the PYCR2 protein in which other variant(s) (p.Arg266*) have been determined to be pathogenic (PMID: 27130255, 27860360, 30369941, 31487502). This suggests that this is a clinically significant region of the protein, and that variants that disrupt it are likely to be disease-causing. For these reasons, this variant has been classified as Pathogenic.

Eurofins Ntd Llc (ga)
Classification: Pathogenic. Last evaluated: 2016-03-07. Review status: criteria provided, single submitter. Criteria: EGL Classification Definitions. Collection method: clinical testing. Allele origin: germline. Observed: 1 variant allele, 1 homozygote.

Literature cited by the submitters: PubMed 27130255 (cited by Labcorp Genetics (formerly Invitae), Labcorp); PubMed 27860360 (cited by Labcorp Genetics (formerly Invitae), Labcorp); PubMed 30369941 (cited by Labcorp Genetics (formerly Invitae), Labcorp); PubMed 31487502 (cited by Labcorp Genetics (formerly Invitae), Labcorp).

NM_013328.4(PYCR2):c.757_758dup (p.Leu254fs)

Gene: PYCR2 (pyrroline-5-carboxylate reductase 2; minus strand). Cytogenetic location: 1q42.12.
Variant type: Microsatellite.
Coding change: c.757_758dup on transcript NM_013328.4 (MANE Select); coding-DNA positions 757 to 758, 2 bases duplicated (CT; older notation c.757_758dupCT).
Protein change: p.Leu254fs; shifts the reading frame from leucine 254.
Molecular consequence: frameshift variant.
Genome position (GRCh38, 1-based): chr1:225,921,247-225,921,248, AG duplicated on the plus strand (CT on the coding strand, the reverse complement: PYCR2 is on the minus strand); duplicating any 2 consecutive bases within chr1:225,921,247-225,921,252 gives the same sequence; the c. name uses the placement nearest the transcript's 3' end. VCF-style (leftmost placement, unchanged base first): chr1-225921246-C-CAG. GRCh37 (hg19) VCF-style: chr1-226108946-C-CAG.
Other names: c.757_758dupCT (NM_013328.3, NM_013328.4); c.535_536dup, p.Leu180fs (NM_001271681.2); short protein forms L180fs, L254fs.
Identifiers: ClinVar variation 286401 (VCV000286401.13), dbSNP rs886043378, ClinGen allele CA10605449.